The following is an entry in ClinVar:

ClinVar aggregate classification (germline): Likely benign (0 of 4 stars; one submission).

Conditions:
GLA-related disorder. Also called: GLA-related condition.

Submission:

PreventionGenetics, part of Exact Sciences
Classification: Likely benign for GLA-related condition. Last evaluated: 2022-04-28. Review status: no assertion criteria provided. Collection method: clinical testing. Allele origin: germline.
Comment: This variant is classified as likely benign based on ACMG/AMP sequence variant interpretation guidelines (Richards et al. 2015 PMID: 25741868, with internal and published modifications).

NM_000169.3(GLA):c.802-102G>C

Genes: GLA (galactosidase alpha; minus strand), RPL36A-HNRNPH2 (RPL36A-HNRNPH2 readthrough; plus strand). Cytogenetic location: Xq22.1.
Variant type: single nucleotide variant.
Coding change: c.802-102G>C on transcript NM_000169.3 (MANE Select); 102 bases into the intron before coding-DNA position 802, G replaced by C.
Molecular consequence: intron variant.
Genome position (GRCh38, 1-based): chrX:101,398,669, C>G on the plus strand (G>C on the coding strand, the complement: GLA is on the minus strand). VCF-style: chrX-101398669-C-G. GRCh37 (hg19) VCF-style: chrX-100653657-C-G.
Other names: c.300+3212C>G (NM_001199973.2); c.177+6847C>G (NM_001199974.2); c.925-102G>C (NM_001406747.1); c.802-102G>C (NM_001406748.1).
Identifiers: ClinVar variation 3053116 (VCV003053116.2), dbSNP rs2520866740, ClinGen allele CA2740092248.